The following is an entry in ClinVar:

NM_138370.3(PKDCC):c.1183G>A (p.Gly395Arg)

Gene: PKDCC (protein kinase domain containing, cytoplasmic; plus strand). Cytogenetic location: 2p21.
Variant type: single nucleotide variant.
Coding change: c.1183G>A on transcript NM_138370.3 (MANE Select); coding-DNA position 1183, G replaced by A.
Protein change: p.Gly395Arg; replaces glycine 395 with arginine.
Molecular consequence: missense variant.
Genome position (GRCh38, 1-based): chr2:42,055,354, G>A. VCF-style: chr2-42055354-G-A. GRCh37 (hg19) VCF-style: chr2-42282494-G-A.
Other names: short protein forms G395R.
Identifiers: ClinVar variation 1471275 (VCV001471275.6), dbSNP rs753432784, ClinGen allele CA1628167.

ClinVar aggregate classification (germline): Uncertain significance (1 of 4 stars; one submission).

gnomAD v4.1: 21 of 1,613,612 alleles (0.0013%); highest among the groups gnomAD compares: South Asian, 0.0044%; no homozygotes.

Submission:

Labcorp Genetics (formerly Invitae), Labcorp
Classification: Uncertain significance. Last evaluated: 2024-08-12. Review status: criteria provided, single submitter. Criteria: Invitae Variant Classification Sherloc (09022015). Collection method: clinical testing. Allele origin: germline.
Comment: This sequence change replaces glycine, which is neutral and non-polar, with arginine, which is basic and polar, at codon 395 of the PKDCC protein (p.Gly395Arg). This variant is present in population databases (rs753432784, gnomAD 0.01%). This variant has not been reported in the literature in individuals affected with PKDCC-related conditions. ClinVar contains an entry for this variant (Variation ID: 1471275). An algorithm developed to predict the effect of missense changes on protein structure and function (PolyPhen-2) suggests that this variant is likely to be disruptive. In summary, the available evidence is currently insufficient to determine the role of this variant in disease. Therefore, it has been classified as a Variant of Uncertain Significance.